The following is an entry in ClinVar:

ClinVar aggregate classification (germline): Likely pathogenic (1 of 4 stars; one submission).

gnomAD v4.1: 4 of 1,614,018 alleles (0.00025%); highest among the groups gnomAD compares: African/African-American, 0.0027%; no homozygotes.

Submission:

Genetic Services Laboratory, University of Chicago
Classification: Likely pathogenic. Last evaluated: 2024-10-21. Review status: criteria provided, single submitter. Criteria: ACMG Guidelines, 2015. Collection method: clinical testing. Allele origin: germline. Affected: yes.
Comment: DNA sequence analysis of the TUBB1 gene demonstrated a sequence change, c.79G>T, which results in the creation of a premature stop codon at amino acid position 27, p.Glu27*. This likely pathogenic sequence change is predicted to result in an abnormal transcript, which may be degraded, or may lead to the production of a truncated TUBB1 protein with potentially abnormal function. This sequence change has been described in the gnomAD database (version 4) in 4 individuals in the heterozygous state which corresponds to a population frequency of 0.0002478% (dbSNP rs1305788911). This likely pathogenic sequence change has not previously been described in individuals with TUBB1-related disorders, however, loss-of-function variants in the TUBB1 gene in the heterozygous state have been reported in individuals with thrombocytopenia (PMID: 32757236, 34516618) and thyroid dysgenesis (PMID:30446499). This c.79G>T sequence change is likely pathogenic, however functional studies have not been performed to prove this conclusively.

NM_030773.4(TUBB1):c.79G>T (p.Glu27Ter)

Gene: TUBB1 (tubulin beta 1 class VI; plus strand). Cytogenetic location: 20q13.32.
Variant type: single nucleotide variant.
Coding change: c.79G>T on transcript NM_030773.4 (MANE Select); coding-DNA position 79, G replaced by T.
Protein change: p.Glu27Ter; replaces glutamic acid 27 with a stop codon.
Molecular consequence: nonsense.
Genome position (GRCh38, 1-based): chr20:59,022,866, G>T. VCF-style: chr20-59022866-G-T. GRCh37 (hg19) VCF-style: chr20-57597921-G-T.
Other names: short protein forms E27*.
Identifiers: ClinVar variation 4082539 (VCV004082539.2).